The following is an entry in ClinVar:

NM_001127208.3(TET2):c.2849C>A (p.Ala950Asp)

Genes: TET2 (tet methylcytosine dioxygenase 2; plus strand), TET2-AS1 (TET2 antisense RNA 1; minus strand). Cytogenetic location: 4q24.
Variant type: single nucleotide variant.
Coding change: c.2849C>A on transcript NM_001127208.3 (MANE Select); coding-DNA position 2849, C replaced by A.
Protein change: p.Ala950Asp; replaces alanine 950 with aspartic acid.
Molecular consequence: missense variant.
Genome position (GRCh38, 1-based): chr4:105,236,791, C>A. VCF-style: chr4-105236791-C-A. GRCh37 (hg19) VCF-style: chr4-106157948-C-A.
Other names: c.2849C>A, p.Ala950Asp (NM_017628.4); short protein forms A950D.
Identifiers: ClinVar variation 4727179 (VCV004727179.1).

ClinVar aggregate classification (germline): Uncertain significance (1 of 4 stars; one submission).

Submission:

Labcorp Genetics (formerly Invitae), Labcorp
Classification: Uncertain significance. Last evaluated: 2025-09-14. Review status: criteria provided, single submitter. Criteria: Invitae Variant Classification Sherloc (09022015). Collection method: clinical testing. Allele origin: germline.
Comment: This sequence change replaces alanine, which is neutral and non-polar, with aspartic acid, which is acidic and polar, at codon 950 of the TET2 protein (p.Ala950Asp). This variant is not present in population databases (gnomAD no frequency). This variant has not been reported in the literature in individuals affected with TET2-related conditions. An algorithm developed to predict the effect of missense changes on protein structure and function (PolyPhen-2) suggests that this variant is likely to be disruptive. In summary, the available evidence is currently insufficient to determine the role of this variant in disease. Therefore, it has been classified as a Variant of Uncertain Significance.